The following is an entry in ClinVar:

NM_000362.5(TIMP3):c.461C>T (p.Pro154Leu)

Genes: SYN3 (synapsin III; minus strand), TIMP3 (TIMP metallopeptidase inhibitor 3; plus strand). Cytogenetic location: 22q12.3.
Variant type: single nucleotide variant.
Coding change: c.461C>T on transcript NM_000362.5 (MANE Select); coding-DNA position 461, C replaced by T.
Protein change: p.Pro154Leu; replaces proline 154 with leucine.
Molecular consequence: missense variant. On other transcripts: intron variant (7).
Genome position (GRCh38, 1-based): chr22:32,859,202, C>T. VCF-style: chr22-32859202-C-T. GRCh37 (hg19) VCF-style: chr22-33255189-C-T.
Other names: c.708+5713G>A (NM_001369909.1, NM_001135774.2, NM_001369910.1); c.711+5713G>A (NM_001369907.1, NM_003490.4, NM_001369908.1 and 1 more transcripts); short protein forms P154L.
Identifiers: ClinVar variation 2842329 (VCV002842329.4), dbSNP rs2146296248, ClinGen allele CA411540171.

ClinVar aggregate classification (germline): Uncertain significance. Review status: criteria provided, multiple submitters, no conflicts (2 of 4 stars). 2 submissions from 2 submitters: Uncertain significance (2). Last evaluated 2024-02-19.

Allele frequency attached by ClinVar (database versions not stated): 1000 Genomes Project 30x 0.00016.

Submissions (2):

Blueprint Genetics
Classification: Uncertain significance. Last evaluated: 2024-02-19. Review status: criteria provided, single submitter. Criteria: ACMG Guidelines, 2015. Collection method: clinical testing. Allele origin: germline.

Labcorp Genetics (formerly Invitae), Labcorp
Classification: Uncertain significance. Last evaluated: 2023-03-02. Review status: criteria provided, single submitter. Criteria: Invitae Variant Classification Sherloc (09022015). Collection method: clinical testing. Allele origin: germline.
Comment: An algorithm developed to predict the effect of missense changes on protein structure and function (PolyPhen-2) suggests that this variant is likely to be disruptive. In summary, the available evidence is currently insufficient to determine the role of this variant in disease. Therefore, it has been classified as a Variant of Uncertain Significance. This variant has not been reported in the literature in individuals affected with TIMP3-related conditions. This variant is not present in population databases (gnomAD no frequency). This sequence change replaces proline, which is neutral and non-polar, with leucine, which is neutral and non-polar, at codon 154 of the TIMP3 protein (p.Pro154Leu).